The following is an entry in ClinVar:

ClinVar aggregate classification (germline): Benign. Review status: criteria provided, multiple submitters, no conflicts (2 of 4 stars). 2 submissions from 2 submitters: Benign (2). Last evaluated 2018-06-18.

Allele frequency attached by ClinVar (database versions not stated): TOPMed 0.20481; gnomAD 0.21095 and 0.21772; 1000 Genomes Project 30x 0.23673; gnomAD exomes 0.23677; 1000 Genomes Project 0.24081.
gnomAD v4.1: 146,053 of 630,694 alleles (23%); highest among the groups gnomAD compares: South Asian, 37%; 18,970 homozygotes.

Submissions (2):

GeneDx
Classification: Benign. Last evaluated: 2018-06-18. Review status: criteria provided, single submitter. Criteria: GeneDx Variant Classification (06012015). Collection method: clinical testing. Allele origin: germline. Affected: yes.
Comment: This variant is considered likely benign or benign based on one or more of the following criteria: it is a conservative change, it occurs at a poorly conserved position in the protein, it is predicted to be benign by multiple in silico algorithms, and/or has population frequency not consistent with disease.

Breakthrough Genomics
Classification: Benign. Review status: criteria provided, single submitter. Criteria: ACMG Guidelines, 2015. Collection method: not provided. Allele origin: germline. Inheritance: Autosomal recessive inheritance. Affected: yes.

NM_139343.3(BIN1):c.520-137C>T

Gene: BIN1 (bridging integrator 1; minus strand). Cytogenetic location: 2q14.3.
Variant type: single nucleotide variant.
Coding change: c.520-137C>T on transcript NM_139343.3 (MANE Select); 137 bases into the intron before coding-DNA position 520, C replaced by T.
Molecular consequence: intron variant.
Genome position (GRCh38, 1-based): chr2:127,068,392, G>A on the plus strand (C>T on the coding strand, the complement: BIN1 is on the minus strand). VCF-style: chr2-127068392-G-A. GRCh37 (hg19) VCF-style: chr2-127825968-G-A.
Other names: c.439-137C>T (NM_001320642.1); c.447+532C>T (NM_001320634.1); c.519+532C>T (NM_139351.3, NM_139350.3, NM_139349.3 and 6 more transcripts); c.520-137C>T (NM_001320633.2, NM_139345.3, NM_139344.3 and 1 more transcripts).
Identifiers: ClinVar variation 678247 (VCV000678247.2), dbSNP rs934826, ClinGen allele CA11278181.